The following is an entry in ClinVar:

ClinVar aggregate classification (germline): Uncertain significance. Review status: criteria provided, multiple submitters, no conflicts (2 of 4 stars). 2 submissions from 2 submitters: Uncertain significance (2). Last evaluated 2025-08-12.

Conditions:
Inborn genetic diseases. Identifiers: MedGen C0950123, MeSH D030342.

Allele frequency attached by ClinVar (database versions not stated): ExAC 0.00001; gnomAD 0.00001; gnomAD exomes 0.00001.
gnomAD v4.1: 5 of 1,612,592 alleles (0.00031%); highest among the groups gnomAD compares: Admixed American, 0.0033%; no homozygotes.

Submissions (2):

Ambry Genetics
Classification: Uncertain significance for Inborn genetic diseases. Last evaluated: 2025-08-12. Review status: criteria provided, single submitter. Criteria: Ambry Variant Classification Scheme 2023. Collection method: clinical testing. Allele origin: germline.

Labcorp Genetics (formerly Invitae), Labcorp
Classification: Uncertain significance. Last evaluated: 2022-03-13. Review status: criteria provided, single submitter. Criteria: Invitae Variant Classification Sherloc (09022015). Collection method: clinical testing. Allele origin: germline.
Comment: This sequence change replaces isoleucine, which is neutral and non-polar, with valine, which is neutral and non-polar, at codon 123 of the EIF2AK4 protein (p.Ile123Val). This variant has not been reported in the literature in individuals affected with EIF2AK4-related conditions. This variant is present in population databases (rs762690182, gnomAD 0.006%). In summary, the available evidence is currently insufficient to determine the role of this variant in disease. Therefore, it has been classified as a Variant of Uncertain Significance. Advanced modeling of protein sequence and biophysical properties (such as structural, functional, and spatial information, amino acid conservation, physicochemical variation, residue mobility, and thermodynamic stability) performed at Invitae indicates that this missense variant is not expected to disrupt EIF2AK4 protein function.

NM_001013703.4(EIF2AK4):c.367A>G (p.Ile123Val)

Gene: EIF2AK4 (eukaryotic translation initiation factor 2 alpha kinase 4; plus strand). Cytogenetic location: 15q15.1.
Variant type: single nucleotide variant.
Coding change: c.367A>G on transcript NM_001013703.4 (MANE Select); coding-DNA position 367, A replaced by G.
Protein change: p.Ile123Val; replaces isoleucine 123 with valine.
Molecular consequence: missense variant.
Genome position (GRCh38, 1-based): chr15:39,949,122, A>G. VCF-style: chr15-39949122-A-G. GRCh37 (hg19) VCF-style: chr15-40241323-A-G.
Other names: short protein forms I123V.
Identifiers: ClinVar variation 1932049 (VCV001932049.7), dbSNP rs762690182, ClinGen allele CA7473494.